The following is an entry in ClinVar:

ClinVar aggregate classification (germline): Uncertain significance (1 of 4 stars; one submission).

Conditions:
MELAS syndrome (MELAS). Also called: Juvenile myopathy, encephalopathy, lactic acidosis, stroke. Identifiers: Orphanet 550, MedGen C0162671, MONDO:0010789, OMIM 540000.

Submission:

Wong Mito Lab, Molecular and Human Genetics, Baylor College of Medicine
Classification: Uncertain significance for MELAS syndrome. Last evaluated: 2019-07-12. Review status: criteria provided, single submitter. Criteria: Modified ACMG Guidelines (Unpublished). Collection method: clinical testing. Allele origin: germline.
Comment: The NC_012920.1:m.16018_16032dupTCTCTGTTCTTTCAT variant in MT-TP gene is interpreted to be a Unknown Significance variant based on the modified ACMG guidelines (unpublished). This variant meets the following evidence codes reported in the guidelines: BP6

Literature cited by the submitters: PubMed 31965079; PubMed 22954281.

NC_012920.1(MT-TP):m.16018_16032dup

Gene: MT-TP (mitochondrially encoded tRNA proline; minus strand).
Variant type: Duplication.
Genome position: chrM-16015-T-TATTCTCTGTTCTTTC.
Identifiers: ClinVar variation 690276 (VCV000690276.1), dbSNP rs1603225639, ClinGen allele CA915952154.